The following is an entry in ClinVar:

ClinVar aggregate classification (germline): Uncertain significance (1 of 4 stars; one submission).

Conditions:
Hereditary cancer-predisposing syndrome. Also called: Neoplastic Syndromes, Hereditary; Hereditary Cancer Syndrome; Hereditary neoplastic syndrome; Tumor predisposition. Identifiers: Orphanet 140162, MedGen C0027672, MeSH D009386, MONDO:0015356.

Submission:

Ambry Genetics
Classification: Uncertain significance for Hereditary cancer-predisposing syndrome. Last evaluated: 2026-05-16. Review status: criteria provided, single submitter. Criteria: Ambry Variant Classification Scheme 2023. Collection method: clinical testing. Allele origin: germline.
Comment: The p.G325S variant (also known as c.973G>A), located in coding exon 6 of the FLCN gene, results from a G to A substitution at nucleotide position 973. The glycine at codon 325 is replaced by serine, an amino acid with similar properties. This amino acid position is conserved. In addition, this alteration is predicted to be tolerated by in silico analysis. Based on the available evidence, the clinical significance of this variant remains unclear.

NM_144997.7(FLCN):c.973G>A (p.Gly325Ser)

Gene: FLCN (folliculin; minus strand). Cytogenetic location: 17p11.2.
Variant type: single nucleotide variant.
Coding change: c.973G>A on transcript NM_144997.7 (MANE Select); coding-DNA position 973, G replaced by A.
Protein change: p.Gly325Ser; replaces glycine 325 with serine.
Molecular consequence: missense variant.
Genome position (GRCh38, 1-based): chr17:17,219,108, C>T on the plus strand (G>A on the coding strand, the complement: FLCN is on the minus strand). VCF-style: chr17-17219108-C-T. GRCh37 (hg19) VCF-style: chr17-17122422-C-T.
Other names: c.1027G>A, p.Gly343Ser (NM_001353229.2); c.973G>A, p.Gly325Ser (NM_001353230.2, NM_001353231.2); short protein forms G325S, G343S.
Identifiers: ClinVar variation 4871391 (VCV004871391.1).